The following is an entry in ClinVar:

ClinVar aggregate classification (germline): Uncertain significance. Review status: criteria provided, multiple submitters, no conflicts (2 of 4 stars). 2 submissions from 2 submitters: Uncertain significance (2). Last evaluated 2023-09-18.

Conditions:
DICER1-related tumor predisposition. Also called: DICER1-related pleuropulmonary blastoma cancer predisposition syndrome; DICER1 syndrome. Identifiers: Orphanet 284343, MedGen C3839822, MONDO:0100216.
Hereditary cancer-predisposing syndrome. Also called: Tumor predisposition; Neoplastic Syndromes, Hereditary; Hereditary Cancer Syndrome; Hereditary neoplastic syndrome. Identifiers: Orphanet 140162, MedGen C0027672, MeSH D009386, MONDO:0015356.

Allele frequency attached by ClinVar (database versions not stated): TOPMed below 0.00001.

Submissions (2):

Labcorp Genetics (formerly Invitae), Labcorp
Classification: Uncertain significance for DICER1-related tumor predisposition. Last evaluated: 2023-09-18. Review status: criteria provided, single submitter. Criteria: Invitae Variant Classification Sherloc (09022015). Collection method: clinical testing. Allele origin: germline.
Comment: In summary, the available evidence is currently insufficient to determine the role of this variant in disease. Therefore, it has been classified as a Variant of Uncertain Significance. This sequence change replaces valine, which is neutral and non-polar, with alanine, which is neutral and non-polar, at codon 687 of the DICER1 protein (p.Val687Ala). This variant is not present in population databases (gnomAD no frequency). This variant has not been reported in the literature in individuals affected with DICER1-related conditions. ClinVar contains an entry for this variant (Variation ID: 1785224). Advanced modeling of protein sequence and biophysical properties (such as structural, functional, and spatial information, amino acid conservation, physicochemical variation, residue mobility, and thermodynamic stability) performed at Invitae indicates that this missense variant is not expected to disrupt DICER1 protein function.

Ambry Genetics
Classification: Uncertain significance for Hereditary cancer-predisposing syndrome. Last evaluated: 2020-12-03. Review status: criteria provided, single submitter. Criteria: Ambry Variant Classification Scheme 2023. Collection method: clinical testing. Allele origin: germline.
Comment: The p.V687A variant (also known as c.2060T>C), located in coding exon 12 of the DICER1 gene, results from a T to C substitution at nucleotide position 2060. The valine at codon 687 is replaced by alanine, an amino acid with similar properties. This amino acid position is poorly conserved in available vertebrate species. In addition, this alteration is predicted to be tolerated by in silico analysis. Since supporting evidence is limited at this time, the clinical significance of this alteration remains unclear.

NM_177438.3(DICER1):c.2060T>C (p.Val687Ala)

Gene: DICER1 (dicer 1, ribonuclease III; minus strand). Cytogenetic location: 14q32.13.
Variant type: single nucleotide variant.
Coding change: c.2060T>C on transcript NM_177438.3 (MANE Select); coding-DNA position 2060, T replaced by C.
Protein change: p.Val687Ala; replaces valine 687 with alanine.
Molecular consequence: missense variant. On other transcripts: non-coding transcript variant (6).
Genome position (GRCh38, 1-based): chr14:95,112,228, A>G on the plus strand (T>C on the coding strand, the complement: DICER1 is on the minus strand). VCF-style: chr14-95112228-A-G. GRCh37 (hg19) VCF-style: chr14-95578565-A-G.
Other names: c.2060T>C, p.Val687Ala (NM_001195573.1, NM_001271282.3, NM_001291628.2 and 13 more transcripts); c.1778T>C, p.Val593Ala (NM_001395686.1); c.1655T>C, p.Val552Ala (NM_001395687.1, NM_001395688.1, NM_001395689.1 and 3 more transcripts); c.1493T>C, p.Val498Ala (NM_001395691.1); c.377T>C, p.Val126Ala (NM_001395697.1); short protein forms V126A, V687A, V498A, V593A, V552A.
Identifiers: ClinVar variation 1785224 (VCV001785224.5), dbSNP rs1892037743, ClinGen allele CA390883105.